The following is an entry in ClinVar:

ClinVar aggregate classification (germline): Likely pathogenic. Review status: criteria provided, multiple submitters, no conflicts (2 of 4 stars). 2 submissions from 2 submitters: Likely pathogenic (2). Last evaluated 2026-04-24.

Conditions:
Intellectual developmental disorder with polymicrogyria and seizures. Identifiers: MedGen C5975535, MONDO:0976124, OMIM 621021.

Submissions (2):

Ambry Genetics
Classification: Likely pathogenic. Last evaluated: 2026-04-24. Review status: criteria provided, single submitter. Criteria: Ambry Variant Classification Scheme 2023. Collection method: clinical testing. Allele origin: germline.
Comment: The c.1392delT (p.A465Qfs*3) alteration, located in exon 11 (coding exon 11) of the TCP1 gene, consists of a deletion of one nucleotide at position 1392, causing a translational frameshift with a predicted alternate stop codon after 3 amino acids. This variant is not expected to trigger nonsense-mediated mRNA decay, and impacts the last 16.5% of the protein. However, premature stop codons are typically deleterious in nature, the impacted region is critical for protein function, and a significant portion of the protein is affected (Ambry internal data). This variant was not reported in population-based cohorts in the Genome Aggregation Database (gnomAD). Based on the available evidence, this alteration is classified as likely pathogenic.

Medical Genetics, SUNY Upstate Medical University
Classification: Likely pathogenic for Intellectual developmental disorder with polymicrogyria and seizures. Last evaluated: 2026-04-24. Review status: criteria provided, single submitter. Criteria: ACMG Guidelines, 2015. Collection method: provider interpretation. Allele origin: unknown. Inheritance: Autosomal dominant inheritance. Affected: yes. Observed: 1 variant allele, 1 heterozygote.
Comment: The TCP1 c.1392del, predicted to result in p.(Ala465GlnfsTer3), is a heterozygous frameshift variant located in exon 11 of TCP1. TCP1 encodes T-complex protein 1 subunit alpha, also known as CCT1, and pathogenic heterozygous variants in TCP1 have been associated with autosomal dominant TCP1-related neurodevelopmental disorder, which generally occurs de novo and is characterized by developmental delay, intellectual disability, seizures, pyramidal/cerebellar signs, and polymicrogyria. Loss of function has been reported as a disease mechanism for TCP1-related neurodevelopmental disorder. This variant is predicted to introduce a premature stop codon after 3 altered amino acids and to affect the final 16.5% of the TCP1 protein. The variant is not expected to trigger nonsense-mediated mRNA decay; however, premature truncating variants may be deleterious when they disrupt a functionally important protein region or remove a significant portion of the protein. This variant was absent from population-based cohorts in gnomAD. No additional genetic etiology was identified. Based on the predicted truncating effect, absence from population databases, reported loss-of-function disease mechanism, and partial phenotypic overlap, this variant is classified as likely pathogenic.

NM_030752.3(TCP1):c.1392del (p.Ala465fs)

Gene: TCP1 (t-complex 1; minus strand). Cytogenetic location: 6q25.3.
Variant type: Deletion.
Coding change: c.1392del on transcript NM_030752.3 (MANE Select); coding-DNA position 1392, one base deleted (T; older notation c.1392delT).
Protein change: p.Ala465fs; shifts the reading frame from alanine 465.
Molecular consequence: frameshift variant.
Genome position (GRCh38, 1-based): chr6:159,779,689, A deleted on the plus strand (T on the coding strand, the reverse complement: TCP1 is on the minus strand); the first of 2 consecutive A bases (chr6:159,779,689-159,779,690); deleting either gives the same sequence. VCF-style (leftmost placement, unchanged base first): chr6-159779688-CA-C. GRCh37 (hg19) VCF-style: chr6-160200720-CA-C.
Other names: c.1392delT (NM_030752.2, NM_030752.3); c.927del, p.Ala310fs (NM_001008897.2); short protein forms A310fs, A465fs.
Identifiers: ClinVar variation 4850843 (VCV004850843.2).
Genomic context (GRCh38, chr6:159,779,688, plus strand): 5'-ATTTTAGATTTTTACGTTCTGGGTTAACCTGGGCCTCATTATGAAAAGCTCTTAATTTTG[CA>C]ACCAGATCTGTGGAGTCCTGGGCAGCATTAACTGCTAGTGTATTGGGAATAACAAGAAGT-3'